The following is an entry in ClinVar:

ClinVar aggregate classification (germline): Uncertain significance (1 of 4 stars; one submission).

gnomAD v4.1: 1 of 1,211,347 alleles (0.000083%); highest among the groups gnomAD compares: Non-Finnish European, 0.00011%; no homozygotes.

Submission:

Labcorp Genetics (formerly Invitae), Labcorp
Classification: Uncertain significance. Last evaluated: 2024-05-01. Review status: criteria provided, single submitter. Criteria: Invitae Variant Classification Sherloc (09022015). Collection method: clinical testing. Allele origin: germline.
Comment: This sequence change replaces glutamic acid, which is acidic and polar, with alanine, which is neutral and non-polar, at codon 726 of the ABCB7 protein (p.Glu726Ala). This variant is present in population databases (no rsID available, gnomAD 0.001%). This variant has not been reported in the literature in individuals affected with ABCB7-related conditions. An algorithm developed to predict the effect of missense changes on protein structure and function (PolyPhen-2) suggests that this variant is likely to be tolerated. In summary, the available evidence is currently insufficient to determine the role of this variant in disease. Therefore, it has been classified as a Variant of Uncertain Significance.

NM_001271696.3(ABCB7):c.2174A>C (p.Glu725Ala)

Gene: ABCB7 (ATP binding cassette subfamily B member 7; minus strand). Cytogenetic location: Xq13.3.
Variant type: single nucleotide variant.
Coding change: c.2174A>C on transcript NM_001271696.3 (MANE Select); coding-DNA position 2174, A replaced by C.
Protein change: p.Glu725Ala; replaces glutamic acid 725 with alanine.
Molecular consequence: missense variant.
Genome position (GRCh38, 1-based): chrX:75,053,455, T>G on the plus strand (A>C on the coding strand, the complement: ABCB7 is on the minus strand). VCF-style: chrX-75053455-T-G. GRCh37 (hg19) VCF-style: chrX-74273290-T-G.
Other names: c.2054A>C, p.Glu685Ala (NM_001271697.3); c.2096A>C, p.Glu699Ala (NM_001271698.3); c.2057A>C, p.Glu686Ala (NM_001271699.3); c.2177A>C, p.Glu726Ala (NM_004299.6); short protein forms E685A, E686A, E699A, E726A, E725A.
Identifiers: ClinVar variation 3675362 (VCV003675362.2).
Genomic context (GRCh38, chrX:75,053,455, plus strand): 5'-TTCACACTATTGACAATTTCTTCTTGTAGTTTCTTTCTTTCCTCCTCTTTGGATATATTT[T>G]CTTTCTTTGCTTCCCATTTGGGGTTATCATGGTTCTGCACACGGCTGCTCTGTGTATGCC-3'
Protein context (NP_001258625.1, residues 715-735): HDNPKWEAKK[Glu725Ala]NISKEEERKK